The following is an entry in ClinVar:

ClinVar aggregate classification (germline): Uncertain significance (1 of 4 stars; one submission).

Conditions:
Baller-Gerold syndrome (BGS). Also called: CRANIOSYNOSTOSIS WITH RADIAL DEFECTS. Identifiers: Orphanet 1225, MedGen C0265308, MONDO:0009039, OMIM 218600.

Allele frequency attached by ClinVar (database versions not stated): ExAC 0.00001.

Submission:

Labcorp Genetics (formerly Invitae), Labcorp
Classification: Uncertain significance for Baller-Gerold syndrome. Last evaluated: 2022-03-17. Review status: criteria provided, single submitter. Criteria: Invitae Variant Classification Sherloc (09022015). Collection method: clinical testing. Allele origin: germline.
Comment: In summary, the available evidence is currently insufficient to determine the role of this variant in disease. Therefore, it has been classified as a Variant of Uncertain Significance. Experimental studies and prediction algorithms are not available or were not evaluated, and the functional significance of this variant is currently unknown. This sequence change replaces serine, which is neutral and polar, with arginine, which is basic and polar, at codon 156 of the RECQL4 protein (p.Ser156Arg). This variant is present in population databases (rs757169988, gnomAD no frequency). This variant has not been reported in the literature in individuals affected with RECQL4-related conditions.

NM_004260.4(RECQL4):c.468T>A (p.Ser156Arg)

Gene: RECQL4 (RecQ like helicase 4; minus strand). Cytogenetic location: 8q24.3.
Variant type: single nucleotide variant.
Coding change: c.468T>A on transcript NM_004260.4 (MANE Select); coding-DNA position 468, T replaced by A.
Protein change: p.Ser156Arg; replaces serine 156 with arginine.
Molecular consequence: missense variant.
Genome position (GRCh38, 1-based): chr8:144,516,651, A>T on the plus strand (T>A on the coding strand, the complement: RECQL4 is on the minus strand). VCF-style: chr8-144516651-A-T. GRCh37 (hg19) VCF-style: chr8-145742035-A-T.
Other names: c.468T>A, p.Ser156Arg (NM_001413017.1, NM_001413018.1, NM_001413019.1 and 4 more transcripts); c.-604T>A (NM_001413022.1, NM_001413023.1, NM_001413024.1 and 5 more transcripts); c.339T>A, p.Ser113Arg (NM_001413025.1); c.-666T>A (NM_001413027.1, NM_001413030.1, NM_001413031.1 and 2 more transcripts); c.-508T>A (NM_001413034.1); c.-873T>A (NM_001413043.1); short protein forms S113R, S156R.
Identifiers: ClinVar variation 2113251 (VCV002113251.4), dbSNP rs757169988, ClinGen allele CA4949282.
Genomic context (GRCh38, chr8:144,516,651, plus strand): 5'-CTGCAGATGCTGGAGCCGGCCTGGCCTTGGCTGGGGCTCAGGGAGCTGTGGAGGCTCATC[A>T]CTGACTTTTTCTGCAAAGGAGGGGACAGGCCCTGTACCTGGGGGCTTTGGGGTGGATGCC-3'
Protein context (NP_004251.4, residues 146-166): GPVPSFAEKV[Ser156Arg]DEPPQLPEPQ